The following is an entry in ClinVar:

ClinVar aggregate classification (germline): Conflicting classifications of pathogenicity. Review status: criteria provided, conflicting classifications (1 of 4 stars). 2 submissions from 2 submitters: Uncertain significance (1); Likely benign (1). Last evaluated 2025-10-01.

Conditions:
NBAS-related disorder. Also called: NBAS-related condition.

Allele frequency attached by ClinVar (database versions not stated): gnomAD 0.00001; TOPMed 0.00002.
gnomAD v4.1: 1 of 1,613,880 alleles (0.000062%); highest among the groups gnomAD compares: African/African-American, 0.0013%; no homozygotes.

Submissions (2):

Labcorp Genetics (formerly Invitae), Labcorp
Classification: Likely benign. Last evaluated: 2025-10-01. Review status: criteria provided, single submitter. Criteria: Invitae Variant Classification Sherloc (09022015). Collection method: clinical testing. Allele origin: germline.

PreventionGenetics, part of Exact Sciences
Classification: Uncertain significance for NBAS-related condition. Last evaluated: 2022-10-27. Review status: criteria provided, single submitter. Criteria: ACMG Guidelines, 2015. Collection method: clinical testing. Allele origin: germline.
Comment: The NBAS c.6712-10G>A variant is predicted to interfere with splicing. To our knowledge, this variant has not been reported in the literature. This variant is reported in 0.011% of alleles in individuals of African descent in gnomAD. However, the use of computer prediction programs is not equivalent to functional evidence, and therefore the clinical significance of this variant is uncertain.

NM_015909.4(NBAS):c.6712-10G>A

Gene: NBAS (NBAS subunit of NRZ tethering complex; minus strand). Cytogenetic location: 2p24.3.
Variant type: single nucleotide variant.
Coding change: c.6712-10G>A on transcript NM_015909.4 (MANE Select); 10 bases into the intron before coding-DNA position 6712, G replaced by A.
Molecular consequence: intron variant.
Genome position (GRCh38, 1-based): chr2:15,179,126, C>T on the plus strand (G>A on the coding strand, the complement: NBAS is on the minus strand). VCF-style: chr2-15179126-C-T. GRCh37 (hg19) VCF-style: chr2-15319250-C-T.
Identifiers: ClinVar variation 2637127 (VCV002637127.4), dbSNP rs967704371, ClinGen allele CA43164000.